The following is an entry in ClinVar:

NM_006415.4(SPTLC1):c.1319C>G (p.Pro440Arg)

Gene: SPTLC1 (serine palmitoyltransferase long chain base subunit 1; minus strand). Cytogenetic location: 9q22.31.
Variant type: single nucleotide variant.
Coding change: c.1319C>G on transcript NM_006415.4 (MANE Select); coding-DNA position 1319, C replaced by G.
Protein change: p.Pro440Arg; replaces proline 440 with arginine.
Molecular consequence: missense variant.
Genome position (GRCh38, 1-based): chr9:92,034,819, G>C on the plus strand (C>G on the coding strand, the complement: SPTLC1 is on the minus strand). VCF-style: chr9-92034819-G-C. GRCh37 (hg19) VCF-style: chr9-94797101-G-C.
Other names: c.1319C>G, p.Pro440Arg (NM_001281303.2); c.953C>G, p.Pro318Arg (NM_001368272.1); c.854C>G, p.Pro285Arg (NM_001368273.1); short protein forms P285R, P318R, P440R.
Identifiers: ClinVar variation 3897027 (VCV003897027.1).

ClinVar aggregate classification (germline): Uncertain significance (1 of 4 stars; one submission).

Conditions:
Neuropathy, hereditary sensory and autonomic, type 1A (HSAN1A). Also called: NEUROPATHY, HEREDITARY SENSORY AND AUTONOMIC, TYPE IA; SPTLC1-Related Hereditary Sensory Neuropathy; HSAN IA; HSN IA; NEUROPATHY, HEREDITARY SENSORY RADICULAR, AUTOSOMAL DOMINANT, TYPE 1A. Identifiers: MedGen C5235211, MONDO:0008086, OMIM 162400.

Submission:

Kariminejad - Najmabadi Pathology & Genetics Center
Classification: Uncertain significance for Neuropathy, hereditary sensory and autonomic, type 1A. Last evaluated: 2021-01-05. Review status: criteria provided, single submitter. Criteria: ACMG Guidelines, 2015. Collection method: clinical testing. Allele origin: germline. Inheritance: Autosomal dominant inheritance. Affected: yes.
Comment: PM2 PP3